The following is an entry in ClinVar:

NM_001035.3(RYR2):c.1675A>G (p.Ile559Val)

Gene: RYR2 (ryanodine receptor 2; plus strand). Cytogenetic location: 1q43.
Variant type: single nucleotide variant.
Coding change: c.1675A>G on transcript NM_001035.3 (MANE Select); coding-DNA position 1675, A replaced by G.
Protein change: p.Ile559Val; replaces isoleucine 559 with valine.
Molecular consequence: missense variant.
Genome position (GRCh38, 1-based): chr1:237,469,154, A>G. VCF-style: chr1-237469154-A-G. GRCh37 (hg19) VCF-style: chr1-237632454-A-G.
Other names: p.I559V:ATC>GTC; c.1675A>G, p.Ile559Val (LRG_402t1); short protein forms I559V.
Identifiers: ClinVar variation 201220 (VCV000201220.11), dbSNP rs773609522, ClinGen allele CA008550.

ClinVar aggregate classification (germline): Conflicting classifications of pathogenicity. Review status: criteria provided, conflicting classifications (1 of 4 stars). 5 submissions from 5 submitters: Uncertain significance (3); Likely benign (2). Last evaluated 2024-08-19.

Conditions:
Cardiovascular phenotype. Identifiers: MedGen CN230736.
Cardiomyopathy (CMYO). Also called: Cardiomyopathies. Identifiers: Orphanet 167848, MedGen C0878544, MONDO:0004994, HP:0001638. Inheritance: Various modes of inheritance.
Catecholaminergic polymorphic ventricular tachycardia 1. Also called: VENTRICULAR TACHYCARDIA, CATECHOLAMINERGIC POLYMORPHIC, 1, WITH OR WITHOUT ATRIAL DYSFUNCTION AND/OR DILATED CARDIOMYOPATHY; VENTRICULAR TACHYCARDIA, STRESS-INDUCED POLYMORPHIC 1; RYR2-Related Catecholaminergic Polymorphic Ventricular Tachycardia. Identifiers: Orphanet 3286, MedGen C1631597, MONDO:0011484, OMIM 604772.

Allele frequency attached by ClinVar (database versions not stated): TOPMed below 0.00001; gnomAD exomes 0.00001 and 0.00002; ExAC 0.00004.
gnomAD v4.1: 10 of 1,610,084 alleles (0.00062%); highest among the groups gnomAD compares: South Asian, 0.0066%; no homozygotes.

Submissions (5):

Blueprint Genetics
Classification: Likely benign. Last evaluated: 2024-08-19. Review status: criteria provided, single submitter. Criteria: ACMG Guidelines, 2015. Collection method: clinical testing. Allele origin: germline.

Ambry Genetics
Classification: Uncertain significance for Cardiovascular phenotype. Last evaluated: 2023-08-28. Review status: criteria provided, single submitter. Criteria: Ambry Variant Classification Scheme 2023. Collection method: clinical testing. Allele origin: germline.
Comment: The p.I559V variant (also known as c.1675A>G), located in coding exon 17 of the RYR2 gene, results from an A to G substitution at nucleotide position 1675. The isoleucine at codon 559 is replaced by valine, an amino acid with highly similar properties. This amino acid position is well conserved in available vertebrate species. In addition, this alteration is predicted to be tolerated by in silico analysis. Since supporting evidence is limited at this time, the clinical significance of this alteration remains unclear.

Labcorp Genetics (formerly Invitae), Labcorp
Classification: Likely benign for Catecholaminergic polymorphic ventricular tachycardia 1. Last evaluated: 2023-03-09. Review status: criteria provided, single submitter. Criteria: Invitae Variant Classification Sherloc (09022015). Collection method: clinical testing. Allele origin: germline.

Color Diagnostics, LLC DBA Color Health
Classification: Uncertain significance for Cardiomyopathy. Last evaluated: 2021-04-05. Review status: criteria provided, single submitter. Criteria: ACMG Guidelines, 2015. Collection method: clinical testing. Allele origin: germline.
Comment: This missense variant replaces isoleucine with valine at codon 559 of the RYR2 protein. Computational prediction suggests that this variant may not impact protein structure and function (internally defined REVEL score threshold <= 0.5, PMID: 27666373). To our knowledge, functional studies have not been reported for this variant. This variant has not been reported in individuals affected with cardiovascular disorders in the literature. This variant has been identified in 6/248544 chromosomes in the general population by the Genome Aggregation Database (gnomAD). The available evidence is insufficient to determine the role of this variant in disease conclusively. Therefore, this variant is classified as a Variant of Uncertain Significance.

GeneDx
Classification: Uncertain significance. Last evaluated: 2014-07-01. Review status: criteria provided, single submitter. Criteria: GeneDx Variant Classification (06012015). Collection method: clinical testing. Allele origin: germline. Affected: yes.
Comment: p.Ile559Val (ATC>GTC): c.1675 A>G in exon 17 of the RYR2 gene (NM_001035.2). Approximately 50% of patients with autosomal dominant catecholaminergic polymorphic ventricular tachycardia (CPVT) have been reported to have a mutation in the RYR2 gene, while mutations in the RYR2 gene associated with arrhythmogenic right ventricular cardiomyopathy (ARVC) are rare (McNally et al., 2009; Napolitano C et al., 2012). The I559V variant has not been published as a mutation, nor has it been reported as a benign polymorphism to our knowledge. The I559V variant was not observed in approximately 6,000 individuals of European and African American ancestry in the NHLBI Exome Sequencing Project, indicating it is not a common benign variant in these populations. In addition, this substitution occurs at a position that is relatively well conserved across species (V559 accepted in a few species). Furthermore, a missense mutation in a nearby residue (A549V) has been reported in association with CPVT, supporting the functional importance of this region of the protein. Nevertheless, the I559V variant is a conservative amino acid substitution, which is not likely to impact secondary protein structure as these residues share similar properties. Moreover, in silico analysis predicts this variant likely does not alter the protein structure/function. Therefore, based on the currently available information, it is unclear whether this variant is a pathogenic mutation or a rare benign variant. The variant is found in CARDIOMYOPATHY panel(s).